The following is an entry in ClinVar:

ClinVar aggregate classification (germline): Likely benign. Review status: criteria provided, multiple submitters, no conflicts (2 of 4 stars). 2 submissions from 2 submitters: Likely benign (2). Last evaluated 2023-10-27.

Conditions:
Hypertrophic cardiomyopathy. Also called: HYPERTROPHIC MYOCARDIOPATHY. Identifiers: Orphanet 217569, MedGen C0007194, MeSH D002312, MONDO:0005045, HP:0001639.

Submissions (2):

All of Us Research Program, National Institutes of Health
Classification: Likely benign for Hypertrophic cardiomyopathy. Last evaluated: 2023-10-27. Review status: criteria provided, single submitter. Criteria: ACMG Guidelines, 2015. Collection method: clinical testing. Allele origin: germline. Inheritance: Autosomal dominant inheritance. Observed: 1 variant allele, 1 heterozygote.
Comment: This study involves interpretation of variants in research participants for the purpose of population health screening. Participant phenotype was not available at the time of variant classification. Additional details can be found in publication PMID: 35346344, PMCID: PMC8962531

Labcorp Genetics (formerly Invitae), Labcorp
Classification: Likely benign for Hypertrophic cardiomyopathy. Last evaluated: 2020-09-13. Review status: criteria provided, single submitter. Criteria: Invitae Variant Classification Sherloc (09022015). Collection method: clinical testing. Allele origin: germline.

NM_000363.5(TNNI3):c.12-8C>T

Gene: TNNI3 (troponin I3, cardiac type; minus strand). Cytogenetic location: 19q13.42.
Variant type: single nucleotide variant.
Coding change: c.12-8C>T on transcript NM_000363.5 (MANE Select); 8 bases into the intron before coding-DNA position 12, C replaced by T.
Molecular consequence: intron variant.
Genome position (GRCh38, 1-based): chr19:55,157,316, G>A on the plus strand (C>T on the coding strand, the complement: TNNI3 is on the minus strand). VCF-style: chr19-55157316-G-A. GRCh37 (hg19) VCF-style: chr19-55668684-G-A.
Identifiers: ClinVar variation 1132052 (VCV001132052.10), dbSNP rs2147286239, ClinGen allele CA2499225608.